The following is an entry in ClinVar:

ClinVar aggregate classification (germline): Likely benign (0 of 4 stars; one submission).

Conditions:
MEPE-related disorder. Also called: MEPE-related condition.

Allele frequency attached by ClinVar (database versions not stated): ESP Exome Variant Server 0.00008; ExAC 0.00012; gnomAD exomes 0.00017; gnomAD 0.00019; TOPMed 0.00019; 1000 Genomes Project 0.00020; 1000 Genomes Project 30x 0.00031.

Submission:

PreventionGenetics, part of Exact Sciences
Classification: Likely benign for MEPE-related condition. Last evaluated: 2022-05-26. Review status: no assertion criteria provided. Collection method: clinical testing. Allele origin: germline.
Comment: This variant is classified as likely benign based on ACMG/AMP sequence variant interpretation guidelines (Richards et al. 2015 PMID: 25741868, with internal and published modifications).

NM_020203.6(MEPE):c.972G>A (p.Ala324=)

Genes: MEPE (matrix extracellular phosphoglycoprotein; plus strand), MEPE-AS1 (MEPE and IBSP antisense RNA 1; minus strand). Cytogenetic location: 4q22.1.
Variant type: single nucleotide variant.
Coding change: c.972G>A on transcript NM_020203.6 (MANE Select); coding-DNA position 972, G replaced by A.
Protein change: p.Ala324=; no amino-acid change (alanine 324 retained).
Molecular consequence: synonymous variant.
Genome position (GRCh38, 1-based): chr4:87,845,840, G>A. VCF-style: chr4-87845840-G-A. GRCh37 (hg19) VCF-style: chr4-88766992-G-A.
Other names: c.972G>A, p.Ala324= (NM_001184694.3); c.633G>A, p.Ala211= (NM_001184695.4, NM_001184696.2, NM_001184697.2); c.1065G>A, p.Ala355= (NM_001291183.2).
Identifiers: ClinVar variation 3036358 (VCV003036358.2), dbSNP rs374783833, ClinGen allele CA3002763.